The following is an entry in ClinVar:

ClinVar aggregate classification (germline): Uncertain significance (1 of 4 stars; one submission).

Conditions:
Mitochondrial complex II deficiency, nuclear type 1. Also called: SUCCINATE CoQ REDUCTASE DEFICIENCY. Identifiers: Orphanet 3208, MedGen C5700310, MONDO:0100294, OMIM 252011.
Pheochromocytoma/paraganglioma syndrome 5. Also called: Paragangliomas 5; SDHA-Related Hereditary Paraganglioma-Pheochromocytoma Syndrome. Identifiers: Orphanet 29072, MedGen C3279992, MONDO:0013602, OMIM 614165.

Submission:

Labcorp Genetics (formerly Invitae), Labcorp
Classification: Uncertain significance for Pheochromocytoma/paraganglioma syndrome 5; Mitochondrial complex II deficiency, nuclear type 1. Last evaluated: 2025-11-19. Review status: criteria provided, single submitter. Criteria: Invitae Variant Classification Sherloc (09022015). Collection method: clinical testing. Allele origin: germline.
Comment: This sequence change replaces isoleucine, which is neutral and non-polar, with threonine, which is neutral and polar, at codon 506 of the SDHA protein (p.Ile506Thr). This variant is not present in population databases (gnomAD no frequency). This variant has not been reported in the literature in individuals affected with SDHA-related conditions. ClinVar contains an entry for this variant (Variation ID: 1381946). Invitae Evidence Modeling of protein sequence and biophysical properties (such as structural, functional, and spatial information, amino acid conservation, physicochemical variation, residue mobility, and thermodynamic stability) indicates that this missense variant is not expected to disrupt SDHA protein function with a negative predictive value of 95%. In summary, the available evidence is currently insufficient to determine the role of this variant in disease. Therefore, it has been classified as a Variant of Uncertain Significance.

NM_004168.4(SDHA):c.1517T>C (p.Ile506Thr)

Gene: SDHA (succinate dehydrogenase complex flavoprotein subunit A; plus strand). Cytogenetic location: 5p15.33.
Variant type: single nucleotide variant.
Coding change: c.1517T>C on transcript NM_004168.4 (MANE Select); coding-DNA position 1517, T replaced by C.
Protein change: p.Ile506Thr; replaces isoleucine 506 with threonine.
Molecular consequence: missense variant.
Genome position (GRCh38, 1-based): chr5:240,442, T>C. VCF-style: chr5-240442-T-C. GRCh37 (hg19) VCF-style: chr5-240557-T-C.
Other names: c.1373T>C, p.Ile458Thr (NM_001294332.2); c.1517T>C, p.Ile506Thr (NM_001330758.2); short protein forms I458T, I506T.
Identifiers: ClinVar variation 1381946 (VCV001381946.6), dbSNP rs2126602878, ClinGen allele CA359014343.